The following is an entry in ClinVar:

NM_000368.5(TSC1):c.110G>T (p.Arg37Leu)

Gene: TSC1 (TSC complex subunit 1; minus strand). Cytogenetic location: 9q34.13.
Variant type: single nucleotide variant.
Coding change: c.110G>T on transcript NM_000368.5 (MANE Select); coding-DNA position 110, G replaced by T.
Protein change: p.Arg37Leu; replaces arginine 37 with leucine.
Molecular consequence: missense variant. On other transcripts: 5 prime UTR variant (9), non-coding transcript variant (4), intron variant (9).
Genome position (GRCh38, 1-based): chr9:132,927,301, C>A on the plus strand (G>T on the coding strand, the complement: TSC1 is on the minus strand). VCF-style: chr9-132927301-C-A. GRCh37 (hg19) VCF-style: chr9-135802688-C-A.
Other names: c.110G>T, p.Arg37Leu (NM_001162426.2, NM_001162427.2, NM_001406592.1 and 21 more transcripts); c.-379G>T (NM_001406615.1, NM_001406623.1); c.-346G>T (NM_001406616.1, NM_001406624.1); c.-768G>T (NM_001406626.1, NM_001406627.1, NM_001406628.1); c.-910G>T (NM_001406629.1); c.-984G>T (NM_001406630.1); c.-153-1562G>T (NM_001406620.1, NM_001406618.1); c.-154+1466G>T (NM_001406625.1, NM_001406621.1, NM_001406617.1 and 3 more transcripts); and 1 more; short protein forms R37L.
Identifiers: ClinVar variation 3462499 (VCV003462499.2).

ClinVar aggregate classification (germline): Uncertain significance (1 of 4 stars; one submission).

Conditions:
Hereditary cancer-predisposing syndrome. Also called: Neoplastic Syndromes, Hereditary; Tumor predisposition; Hereditary Cancer Syndrome; Hereditary neoplastic syndrome. Identifiers: Orphanet 140162, MedGen C0027672, MeSH D009386, MONDO:0015356.

gnomAD v4.1: 2 of 1,613,374 alleles (0.00012%); no homozygotes.

Submission:

Ambry Genetics
Classification: Uncertain significance for Hereditary cancer-predisposing syndrome. Last evaluated: 2026-05-15. Review status: criteria provided, single submitter. Criteria: Ambry Variant Classification Scheme 2023. Collection method: clinical testing. Allele origin: germline.
Comment: The p.R37L variant (also known as c.110G>T), located in coding exon 2 of the TSC1 gene, results from a G to T substitution at nucleotide position 110. The arginine at codon 37 is replaced by leucine, an amino acid with dissimilar properties. This amino acid position is highly conserved in available vertebrate species. In addition, this alteration is predicted to be deleterious by in silico analysis. Based on the available evidence, the clinical significance of this variant remains unclear.